The following is an entry in ClinVar:

ClinVar aggregate classification (germline): Uncertain significance (1 of 4 stars; one submission).

Conditions:
Luscan-Lumish syndrome. Identifiers: Orphanet 597738, MedGen C4085873, MONDO:0014791, OMIM 616831.

Allele frequency attached by ClinVar (database versions not stated): TOPMed below 0.00001; gnomAD 0.00001; gnomAD exomes 0.00003 and 0.00004; ExAC 0.00006.
gnomAD v4.1: 47 of 1,613,996 alleles (0.0029%); highest among the groups gnomAD compares: Non-Finnish European, 0.0036%; no homozygotes.

Submission:

Labcorp Genetics (formerly Invitae), Labcorp
Classification: Uncertain significance for Luscan-Lumish syndrome. Last evaluated: 2021-08-02. Review status: criteria provided, single submitter. Criteria: Invitae Variant Classification Sherloc (09022015). Collection method: clinical testing. Allele origin: germline.
Comment: In summary, the available evidence is currently insufficient to determine the role of this variant in disease. Therefore, it has been classified as a Variant of Uncertain Significance. Algorithms developed to predict the effect of missense changes on protein structure and function (SIFT, PolyPhen-2, Align-GVGD) all suggest that this variant is likely to be tolerated. This variant has not been reported in the literature in individuals affected with SETD2-related conditions. This variant is present in population databases (rs774042042, ExAC 0.009%). This sequence change replaces valine with leucine at codon 1327 of the SETD2 protein (p.Val1327Leu). The valine residue is moderately conserved and there is a small physicochemical difference between valine and leucine.

NM_014159.7(SETD2):c.3979G>T (p.Val1327Leu)

Gene: SETD2 (SET domain containing 2, histone lysine methyltransferase; minus strand). Cytogenetic location: 3p21.31.
Variant type: single nucleotide variant.
Coding change: c.3979G>T on transcript NM_014159.7 (MANE Select); coding-DNA position 3979, G replaced by T.
Protein change: p.Val1327Leu; replaces valine 1327 with leucine.
Molecular consequence: missense variant. On other transcripts: non-coding transcript variant (1).
Genome position (GRCh38, 1-based): chr3:47,120,657, C>A on the plus strand (G>T on the coding strand, the complement: SETD2 is on the minus strand). VCF-style: chr3-47120657-C-A. GRCh37 (hg19) VCF-style: chr3-47162147-C-A.
Other names: c.3847G>T, p.Val1283Leu (NM_001349370.3); short protein forms V1283L, V1327L.
Identifiers: ClinVar variation 1432976 (VCV001432976.6), dbSNP rs774042042, ClinGen allele CA2363281.